The following is an entry in ClinVar:

NM_000637.5(GSR):c.1565G>A (p.Arg522His)

Gene: GSR (glutathione-disulfide reductase; minus strand). Cytogenetic location: 8p12.
Variant type: single nucleotide variant.
Coding change: c.1565G>A on transcript NM_000637.5 (MANE Select); coding-DNA position 1565, G replaced by A.
Protein change: p.Arg522His; replaces arginine 522 with histidine.
Molecular consequence: missense variant.
Genome position (GRCh38, 1-based): chr8:30,679,524, C>T on the plus strand (G>A on the coding strand, the complement: GSR is on the minus strand). VCF-style: chr8-30679524-C-T. GRCh37 (hg19) VCF-style: chr8-30537041-C-T.
Other names: p.Arg522His; c.1478G>A, p.Arg493His (NM_001195102.3); c.1406G>A, p.Arg469His (NM_001195103.3); c.1319G>A, p.Arg440His (NM_001195104.3); short protein forms R440H, R469H, R493H, R522H.
Identifiers: ClinVar variation 811066 (VCV000811066.10), dbSNP rs758486247, ClinGen allele CA4701142.

ClinVar aggregate classification (germline): Uncertain significance. Review status: criteria provided, multiple submitters, no conflicts (2 of 4 stars). 3 submissions from 3 submitters: Uncertain significance (3). Last evaluated 2024-11-28.

Conditions:
Hemolytic anemia due to glutathione reductase deficiency (CNSHA10). Also called: ANEMIA, CONGENITAL, NONSPHEROCYTIC HEMOLYTIC, 10. Identifiers: Orphanet 90030, MedGen C5231513, MONDO:0019531, OMIM 618660.

Allele frequency attached by ClinVar (database versions not stated): gnomAD exomes 0.00002; gnomAD 0.00005 and 0.00006; ExAC 0.00001; TOPMed 0.00003.
gnomAD v4.1: 40 of 1,613,862 alleles (0.0025%); highest among the groups gnomAD compares: Admixed American, 0.013%; no homozygotes.

Submissions (3):

Revvity Omics, Revvity
Classification: Uncertain significance for Hemolytic anemia due to glutathione reductase deficiency. Last evaluated: 2024-11-28. Review status: criteria provided, single submitter. Criteria: ACMG Guidelines, 2015. Collection method: clinical testing. Allele origin: germline.

Mayo Clinic Laboratories, Mayo Clinic
Classification: Uncertain significance. Last evaluated: 2023-10-27. Review status: criteria provided, single submitter. Criteria: ACMG Guidelines, 2015. Collection method: clinical testing. Allele origin: germline. Observed: 1 variant allele.
Comment: PM2_moderate

ARUP Laboratories, Molecular Genetics and Genomics, ARUP Laboratories
Classification: Uncertain significance. Last evaluated: 2018-07-09. Review status: criteria provided, single submitter. Criteria: ARUP Molecular Germline Variant Investigation Process. Collection method: clinical testing. Allele origin: germline.